The following is an entry in ClinVar:

NM_000321.3(RB1):c.2746A>T (p.Met916Leu)

Gene: RB1 (RB transcriptional corepressor 1; plus strand). Cytogenetic location: 13q14.2.
Variant type: single nucleotide variant.
Coding change: c.2746A>T on transcript NM_000321.3 (MANE Select); coding-DNA position 2746, A replaced by T.
Protein change: p.Met916Leu; replaces methionine 916 with leucine.
Molecular consequence: missense variant.
Genome position (GRCh38, 1-based): chr13:48,480,030, A>T. VCF-style: chr13-48480030-A-T. GRCh37 (hg19) VCF-style: chr13-49054166-A-T.
Other names: c.2765A>T, p.Asn922Ile (NM_001407165.1); c.196A>T, p.Met66Leu (NM_001407168.1); short protein forms M66L, N922I, M916L.
Identifiers: ClinVar variation 3430889 (VCV003430889.1).

ClinVar aggregate classification (germline): Uncertain significance (1 of 4 stars; one submission).

Conditions:
Hereditary cancer-predisposing syndrome. Also called: Neoplastic Syndromes, Hereditary; Tumor predisposition; Hereditary Cancer Syndrome; Hereditary neoplastic syndrome. Identifiers: Orphanet 140162, MedGen C0027672, MeSH D009386, MONDO:0015356.

Submission:

Ambry Genetics
Classification: Uncertain significance for Hereditary cancer-predisposing syndrome. Last evaluated: 2024-09-19. Review status: criteria provided, single submitter. Criteria: Ambry Variant Classification Scheme 2023. Collection method: clinical testing. Allele origin: germline.
Comment: The p.M916L variant (also known as c.2746A>T), located in coding exon 27 of the RB1 gene, results from an A to T substitution at nucleotide position 2746. The methionine at codon 916 is replaced by leucine, an amino acid with highly similar properties. This amino acid position is conserved. In addition, this alteration is predicted to be tolerated by in silico analysis. Based on the available evidence, the clinical significance of this variant remains unclear.